The following is an entry in ClinVar:

NM_001903.5(CTNNA1):c.2193-9T>C

Gene: CTNNA1 (catenin alpha 1; plus strand). Cytogenetic location: 5q31.2.
Variant type: single nucleotide variant.
Coding change: c.2193-9T>C on transcript NM_001903.5 (MANE Select); 9 bases into the intron before coding-DNA position 2193, T replaced by C.
Molecular consequence: intron variant.
Genome position (GRCh38, 1-based): chr5:138,930,821, T>C. VCF-style: chr5-138930821-T-C. GRCh37 (hg19) VCF-style: chr5-138266510-T-C.
Other names: c.2193-9T>C (NM_001323982.2, NM_001323984.2, NM_001290307.3 and 3 more transcripts); c.2100-9T>C (NM_001323986.2); c.1824-9T>C (NM_001290310.3); c.1884-9T>C (NM_001290309.3); c.1083-9T>C (NM_001323996.1, NM_001323993.1, NM_001324005.1 and 17 more transcripts); c.744-9T>C (NM_001324007.1, NM_001324009.1, NM_001324006.1 and 2 more transcripts); c.840-9T>C (NM_001324013.1, NM_001324012.1); c.990-9T>C (NM_001324011.1).
Identifiers: ClinVar variation 723022 (VCV000723022.13), dbSNP rs1286412800, ClinGen allele CA563498331.

ClinVar aggregate classification (germline): Likely benign. Review status: criteria provided, multiple submitters, no conflicts (2 of 4 stars). 4 submissions from 4 submitters: Likely benign (4). Last evaluated 2026-05-03.

Conditions:
CTNNA1-related disorder. Also called: CTNNA1-related condition.
Hereditary diffuse gastric adenocarcinoma (HDGC). Also called: DIFFUSE GASTRIC AND LOBULAR BREAST CANCER SYNDROME. Identifiers: Orphanet 26106, MedGen C1708349, MONDO:0007648, OMIM 137215.

Allele frequency attached by ClinVar (database versions not stated): gnomAD exomes below 0.00001; TOPMed below 0.00001.

Submissions (4):

PreventionGenetics, part of Exact Sciences
Classification: Likely benign for CTNNA1-related condition. Last evaluated: 2026-05-03. Review status: criteria provided, single submitter. Criteria: ACMG Guidelines, 2015. Collection method: clinical testing. Allele origin: germline.
Comment: This variant is classified as likely benign based on ACMG/AMP sequence variant interpretation guidelines (Richards et al. 2015 PMID: 25741868, with internal and published modifications).

Center for Genomic Medicine, Rigshospitalet, Copenhagen University Hospital
Classification: Likely benign. Last evaluated: 2025-12-29. Review status: criteria provided, single submitter. Criteria: ACMG Guidelines, 2015. Collection method: clinical testing. Allele origin: germline.

Labcorp Genetics (formerly Invitae), Labcorp
Classification: Likely benign. Last evaluated: 2025-08-07. Review status: criteria provided, single submitter. Criteria: Invitae Variant Classification Sherloc (09022015). Collection method: clinical testing. Allele origin: germline.

Myriad Genetics, Inc.
Classification: Likely benign for Hereditary diffuse gastric adenocarcinoma. Last evaluated: 2024-10-15. Review status: criteria provided, single submitter. Criteria: Myriad Autosomal Dominant, Autosomal Recessive and X-Linked Classification Criteria (2023). Collection method: clinical testing. Allele origin: unknown.
Comment: This variant is considered likely benign. This variant is intronic and is not expected to impact mRNA splicing.